The following is an entry in ClinVar:

ClinVar aggregate classification (germline): Pathogenic. Review status: criteria provided, multiple submitters, no conflicts (2 of 4 stars). 2 submissions from 2 submitters: Pathogenic (2). Last evaluated 2026-03-18.

Conditions:
Deficiency of acetyl-CoA acetyltransferase. Also called: MITOCHONDRIAL ACETOACETYL-CoA THIOLASE DEFICIENCY; 3-KETOTHIOLASE DEFICIENCY; 3-OXOTHIOLASE DEFICIENCY; Beta-ketothiolase deficiency. Identifiers: Orphanet 134, MedGen C1536500, MONDO:0008760, OMIM 203750. Disease mechanism: loss of function.

Submissions (2):

Myriad Genetics, Inc.
Classification: Pathogenic for Deficiency of acetyl-CoA acetyltransferase. Last evaluated: 2026-03-18. Review status: criteria provided, single submitter. Criteria: Myriad Autosomal Dominant, Autosomal Recessive and X-Linked Classification Criteria (2023). Collection method: clinical testing. Allele origin: unknown.
Comment: NM_000019.3(ACAT1):c.552_555delAACT(T185Mfs*19) is a frameshift variant classified as pathogenic in the context of beta-ketothiolase deficiency. T185Mfs*19 has not been observed in cases with relevant disease. Relevant functional assessments of this variant are not available in the literature. T185Mfs*19 has not been observed in referenced population frequency databases. In summary, NM_000019.3(ACAT1):c.552_555delAACT(T185Mfs*19) is a frameshift variant in a gene where loss of function is a known mechanism of disease and is predicted to disrupt protein function. Please note: this variant was assessed in the context of healthy population screening.

Labcorp Genetics (formerly Invitae), Labcorp
Classification: Pathogenic for Deficiency of acetyl-CoA acetyltransferase. Last evaluated: 2024-01-07. Review status: criteria provided, single submitter. Criteria: Invitae Variant Classification Sherloc (09022015). Collection method: clinical testing. Allele origin: germline.
Comment: This sequence change creates a premature translational stop signal (p.Thr185Metfs*19) in the ACAT1 gene. It is expected to result in an absent or disrupted protein product. Loss-of-function variants in ACAT1 are known to be pathogenic (PMID: 7749408). This variant is not present in population databases (gnomAD no frequency). This variant has not been reported in the literature in individuals affected with ACAT1-related conditions. For these reasons, this variant has been classified as Pathogenic.

Literature cited by the submitters: PubMed 7749408 (cited by Labcorp Genetics (formerly Invitae), Labcorp).

NM_000019.4(ACAT1):c.552_555del (p.Thr185fs)

Gene: ACAT1 (acetyl-CoA acetyltransferase 1; plus strand). Cytogenetic location: 11q22.3.
Variant type: Deletion.
Coding change: c.552_555del on transcript NM_000019.4 (MANE Select); coding-DNA positions 552 to 555, 4 bases deleted (AACT; older notation c.552_555delAACT).
Protein change: p.Thr185fs; shifts the reading frame from threonine 185.
Molecular consequence: frameshift variant. On other transcripts: non-coding transcript variant (2).
Genome position (GRCh38, 1-based): chr11:108,139,014-108,139,017, AACT deleted; deleting any 4 consecutive bases within chr11:108,139,012-108,139,017 gives the same sequence; the c. name uses the placement nearest the transcript's 3' end. VCF-style (leftmost placement, unchanged base first): chr11-108139011-GCTAA-G. GRCh37 (hg19) VCF-style: chr11-108009738-GCTAA-G.
Other names: c.282_285del, p.Thr95fs (NM_001386682.1, NM_001386685.1, NM_001386686.1 and 6 more transcripts); c.552_555del, p.Thr185fs (NM_001386677.1); c.237_240del, p.Thr80fs (NM_001386678.1); c.255_258del, p.Thr86fs (NM_001386679.1); short protein forms T86fs, T80fs, T185fs, T95fs.
Identifiers: ClinVar variation 2787435 (VCV002787435.4), dbSNP rs2077527784, ClinGen allele CA942014351.